The following is an entry in ClinVar:

NM_000553.6(WRN):c.1111G>T (p.Glu371Ter)

Gene: WRN (WRN RecQ like helicase; plus strand). Cytogenetic location: 8p12.
Variant type: single nucleotide variant.
Coding change: c.1111G>T on transcript NM_000553.6 (MANE Select); coding-DNA position 1111, G replaced by T.
Protein change: p.Glu371Ter; replaces glutamic acid 371 with a stop codon.
Molecular consequence: nonsense.
Genome position (GRCh38, 1-based): chr8:31,081,138, G>T. VCF-style: chr8-31081138-G-T. GRCh37 (hg19) VCF-style: chr8-30938654-G-T.
Other names: short protein forms E371*.
Identifiers: ClinVar variation 580245 (VCV000580245.5), dbSNP rs1563338837, ClinGen allele CA370920769.
Genomic context (GRCh38, chr8:31,081,138, plus strand): 5'-CTTGATCATTTAGCTAAACATGATGGAGAAGATGTACTTGGAAATAAAGTGGAACGAAAA[G>T]AAGATGGATTTGAAGATGGAGTAGAAGACAACAAATTGAAAGAGAATATGGAAAGAGCTT-3'

ClinVar aggregate classification (germline): Pathogenic (1 of 4 stars; one submission).

Conditions:
Werner syndrome (WRN). Identifiers: Orphanet 902, MedGen C0043119, MONDO:0010196, OMIM 277700.

Submission:

Labcorp Genetics (formerly Invitae), Labcorp
Classification: Pathogenic for Werner syndrome. Last evaluated: 2019-11-19. Review status: criteria provided, single submitter. Criteria: Invitae Variant Classification Sherloc (09022015). Collection method: clinical testing. Allele origin: germline.
Comment: This variant is not present in population databases (ExAC no frequency). This variant has not been reported in the literature in individuals with WRN-related conditions. ClinVar contains an entry for this variant (Variation ID: 580245). Loss-of-function variants in WRN are known to be pathogenic (PMID: 16673358). For these reasons, this variant has been classified as Pathogenic. This sequence change creates a premature translational stop signal (p.Glu371*) in the WRN gene. It is expected to result in an absent or disrupted protein product.

Literature cited by the submitters: PubMed 16673358.